The following is an entry in ClinVar:

NM_006258.4(PRKG1):c.1975A>G (p.Thr659Ala)

Gene: PRKG1 (protein kinase cGMP-dependent 1; plus strand). Cytogenetic location: 10q21.1.
Variant type: single nucleotide variant.
Coding change: c.1975A>G on transcript NM_006258.4 (MANE Select); coding-DNA position 1975, A replaced by G.
Protein change: p.Thr659Ala; replaces threonine 659 with alanine.
Molecular consequence: missense variant.
Genome position (GRCh38, 1-based): chr10:52,293,814, A>G. VCF-style: chr10-52293814-A-G. GRCh37 (hg19) VCF-style: chr10-54053574-A-G.
Other names: c.1930A>G, p.Thr644Ala (NM_001098512.3); c.766A>G, p.Thr256Ala (NM_001374781.1); short protein forms T644A, T659A, T256A.
Identifiers: ClinVar variation 3425429 (VCV003425429.1).

ClinVar aggregate classification (germline): Uncertain significance (1 of 4 stars; one submission).

Conditions:
Familial thoracic aortic aneurysm and aortic dissection (TAAD). Also called: Thoracic aortic aneurysms and dissections. Identifiers: Orphanet 91387, MedGen C4707243, MONDO:0019625.

gnomAD v4.1: 1 of 1,613,188 alleles (0.000062%); highest among the groups gnomAD compares: Non-Finnish European, 0.000085%; no homozygotes.

Submission:

Ambry Genetics
Classification: Uncertain significance for Familial thoracic aortic aneurysm and aortic dissection. Last evaluated: 2024-09-22. Review status: criteria provided, single submitter. Criteria: Ambry Variant Classification Scheme 2023. Collection method: clinical testing. Allele origin: germline.
Comment: The p.T659A variant (also known as c.1975A>G), located in coding exon 18 of the PRKG1 gene, results from an A to G substitution at nucleotide position 1975. The threonine at codon 659 is replaced by alanine, an amino acid with similar properties. This amino acid position is conserved. In addition, this alteration is predicted to be tolerated by in silico analysis. Based on the available evidence, the clinical significance of this variant remains unclear.